The following is an entry in ClinVar:

ClinVar aggregate classification (germline): Uncertain significance (1 of 4 stars; one submission).

Conditions:
Malignant hyperthermia, susceptibility to, 1 (MHS1). Also called: Anesthesia related hyperthermia; Malignant hyperpyrexia; Fulminating hyperpyrexia; Pharmacogenic myopathy; Malignant hyperthermia suceptibility 1; RYR1-Related Malignant Hyperthermia Susceptibility. Identifiers: Orphanet 423, MedGen C2930980, MONDO:0007783, OMIM 145600.

Submission:

All of Us Research Program, National Institutes of Health
Classification: Uncertain significance for Malignant hyperthermia, susceptibility to, 1. Last evaluated: 2024-03-24. Review status: criteria provided, single submitter. Criteria: ACMG Guidelines, 2015. Collection method: clinical testing. Allele origin: germline. Inheritance: Autosomal dominant inheritance. Observed: 1 variant allele, 1 heterozygote.
Comment: This variant causes a T to A nucleotide substitution at the +6 position of intron 89/105 of the RYR1 gene. To our knowledge, functional studies have not been reported for this variant. This variant has not been reported in individuals affected with RYR1-related disorders in the literature. This variant has not been identified in the general population by the Genome Aggregation Database (gnomAD). The available evidence is insufficient to determine the role of this variant in disease conclusively. Therefore, this variant is classified as a Variant of Uncertain Significance.

This study involves interpretation of variants in research participants for the purpose of population health screening. Participant phenotype was not available at the time of variant classification. Additional details can be found in publication PMID: 35346344, PMCID: PMC8962531

NM_000540.3(RYR1):c.12282+6T>A

Gene: RYR1 (ryanodine receptor 1; plus strand). Cytogenetic location: 19q13.2.
Variant type: single nucleotide variant.
Coding change: c.12282+6T>A on transcript NM_000540.3 (MANE Select); 6 bases into the intron after coding-DNA position 12282, T replaced by A.
Molecular consequence: intron variant.
Genome position (GRCh38, 1-based): chr19:38,548,426, T>A. VCF-style: chr19-38548426-T-A. GRCh37 (hg19) VCF-style: chr19-39039066-T-A.
Other names: c.12267+6T>A (NM_001042723.2).
Identifiers: ClinVar variation 3385577 (VCV003385577.1).